The following is an entry in ClinVar:

NM_001943.5(DSG2):c.1088C>A (p.Ser363Ter)

Gene: DSG2 (desmoglein 2; plus strand). Cytogenetic location: 18q12.1.
Variant type: single nucleotide variant.
Coding change: c.1088C>A on transcript NM_001943.5 (MANE Select); coding-DNA position 1088, C replaced by A.
Protein change: p.Ser363Ter; replaces serine 363 with a stop codon.
Molecular consequence: nonsense.
Genome position (GRCh38, 1-based): chr18:31,531,060, C>A. VCF-style: chr18-31531060-C-A. GRCh37 (hg19) VCF-style: chr18-29111023-C-A.
Other names: short protein forms S363*.
Identifiers: ClinVar variation 4822499 (VCV004822499.4).
Genomic context (GRCh38, chr18:31,531,060, plus strand): 5'-AAGAAATGAAGAATCTTGACTTCAGTGTTATTGTCGCTAATAAAGCAGCTTTTCACAAGT[C>A]GATTAGGAGTAAATACAAGCCTACACCCATTCCCATCAAGGTCAAAGTGAAAAATGTGAA-3'

ClinVar aggregate classification (germline): Pathogenic (1 of 4 stars; one submission).

gnomAD v4.1: 1 of 1,613,828 alleles (0.000062%); highest among the groups gnomAD compares: Non-Finnish European, 0.000085%; no homozygotes.

Submission:

CeGaT Center for Human Genetics Tuebingen
Classification: Pathogenic. Last evaluated: 2026-01-01. Review status: criteria provided, single submitter. Criteria: CeGaT Center For Human Genetics Tuebingen Variant Classification Criteria Version 2. Collection method: clinical testing. Allele origin: germline. Affected: yes. Observed: 1 variant allele.
Comment: DSG2: PVS1, PM2